The following is an entry in ClinVar:

ClinVar aggregate classification (germline): Uncertain significance (1 of 4 stars; one submission).

Conditions:
Inborn genetic diseases. Identifiers: MedGen C0950123, MeSH D030342.

Submission:

Ambry Genetics
Classification: Uncertain significance for Inborn genetic diseases. Last evaluated: 2025-03-20. Review status: criteria provided, single submitter. Criteria: Ambry Variant Classification Scheme 2023. Collection method: clinical testing. Allele origin: germline.
Comment: The p.E142G variant (also known as c.425A>G), located in coding exon 4 of the RTEL1 gene, results from an A to G substitution at nucleotide position 425. The glutamic acid at codon 142 is replaced by glycine, an amino acid with similar properties. This amino acid position is conserved. In addition, the in silico prediction for this alteration is inconclusive. Based on the available evidence, the clinical significance of this variant remains unclear.

NM_001283009.2(RTEL1):c.425A>G (p.Glu142Gly)

Genes: RTEL1 (regulator of telomere elongation helicase 1; plus strand), RTEL1-TNFRSF6B (RTEL1-TNFRSF6B readthrough (NMD candidate); plus strand). Cytogenetic location: 20q13.33.
Variant type: single nucleotide variant.
Coding change: c.425A>G on transcript NM_001283009.2 (MANE Select); coding-DNA position 425, A replaced by G.
Protein change: p.Glu142Gly; replaces glutamic acid 142 with glycine.
Molecular consequence: missense variant. On other transcripts: non-coding transcript variant (1), 5 prime UTR variant (1).
Genome position (GRCh38, 1-based): chr20:63,662,575, A>G. VCF-style: chr20-63662575-A-G. GRCh37 (hg19) VCF-style: chr20-62293928-A-G.
Other names: c.-245A>G (NM_001283010.1); c.425A>G, p.Glu142Gly (NM_016434.4); c.497A>G, p.Glu166Gly (NM_032957.5); short protein forms E142G, E166G.
Identifiers: ClinVar variation 3948232 (VCV003948232.1).